The following is an entry in ClinVar:

NM_005612.5(REST):c.1542T>G (p.Ser514Arg)

Gene: REST (RE1 silencing transcription factor; plus strand). Cytogenetic location: 4q12.
Variant type: single nucleotide variant.
Coding change: c.1542T>G on transcript NM_005612.5 (MANE Select); coding-DNA position 1542, T replaced by G.
Protein change: p.Ser514Arg; replaces serine 514 with arginine.
Molecular consequence: missense variant.
Genome position (GRCh38, 1-based): chr4:56,930,400, T>G. VCF-style: chr4-56930400-T-G. GRCh37 (hg19) VCF-style: chr4-57796566-T-G.
Other names: c.1542T>G, p.Ser514Arg (NM_001193508.2, NM_001363453.3); short protein forms S514R.
Identifiers: ClinVar variation 969119 (VCV000969119.15), dbSNP rs748046758, ClinGen allele CA2932279.

ClinVar aggregate classification (germline): Conflicting classifications of pathogenicity. Review status: criteria provided, conflicting classifications (1 of 4 stars). 2 submissions from 2 submitters: Uncertain significance (1); Likely benign (1). Last evaluated 2025-10-01.

Allele frequency attached by ClinVar (database versions not stated): gnomAD 0.00001; gnomAD exomes 0.00001; TOPMed 0.00001; ExAC 0.00003.
gnomAD v4.1: 10 of 1,613,486 alleles (0.00062%); highest among the groups gnomAD compares: Non-Finnish European, 0.00085%; no homozygotes.

Submissions (2):

CeGaT Center for Human Genetics Tuebingen
Classification: Likely benign. Last evaluated: 2025-10-01. Review status: criteria provided, single submitter. Criteria: CeGaT Center For Human Genetics Tuebingen Variant Classification Criteria Version 2. Collection method: clinical testing. Allele origin: germline. Affected: yes. Observed: 1 variant allele.
Comment: REST: BP4

Labcorp Genetics (formerly Invitae), Labcorp
Classification: Uncertain significance. Last evaluated: 2019-10-14. Review status: criteria provided, single submitter. Criteria: Invitae Variant Classification Sherloc (09022015). Collection method: clinical testing. Allele origin: germline.
Comment: This variant is present in population databases (rs748046758, ExAC 0.005%). This sequence change replaces serine with arginine at codon 514 of the REST protein (p.Ser514Arg). The serine residue is moderately conserved and there is a moderate physicochemical difference between serine and arginine. In summary, the available evidence is currently insufficient to determine the role of this variant in disease. Therefore, it has been classified as a Variant of Uncertain Significance. Algorithms developed to predict the effect of missense changes on protein structure and function output the following: SIFT: "Tolerated"; PolyPhen-2: "Benign"; Align-GVGD: "Class C0". The arginine amino acid residue is found in multiple mammalian species, suggesting that this missense change does not adversely affect protein function. These predictions have not been confirmed by published functional studies and their clinical significance is uncertain. This variant has not been reported in the literature in individuals with REST-related conditions.